The following is an entry in ClinVar:

NM_014423.4(AFF4):c.2430T>C (p.Asp810=)

Gene: AFF4 (ALF transcription elongation factor 4; minus strand). Cytogenetic location: 5q31.1.
Variant type: single nucleotide variant.
Coding change: c.2430T>C on transcript NM_014423.4 (MANE Select); coding-DNA position 2430, T replaced by C.
Protein change: p.Asp810=; no amino-acid change (aspartic acid 810 retained).
Molecular consequence: synonymous variant.
Genome position (GRCh38, 1-based): chr5:132,892,371, A>G on the plus strand (T>C on the coding strand, the complement: AFF4 is on the minus strand). VCF-style: chr5-132892371-A-G. GRCh37 (hg19) VCF-style: chr5-132228063-A-G.
Identifiers: ClinVar variation 5001554 (VCV005001554.1).

ClinVar aggregate classification (germline): Likely benign (1 of 4 stars; one submission).

Conditions:
AFF4-related disorder. Also called: AFF4-related condition.

gnomAD v4.1: 5 of 1,613,522 alleles (0.00031%); highest among the groups gnomAD compares: African/African-American, 0.0067%; 1 homozygote.

Submission:

PreventionGenetics, part of Exact Sciences
Classification: Likely benign for AFF4-related condition. Last evaluated: 2025-05-05. Review status: criteria provided, single submitter. Criteria: ACMG Guidelines, 2015. Collection method: clinical testing. Allele origin: germline.
Comment: This variant is classified as likely benign based on ACMG/AMP sequence variant interpretation guidelines (Richards et al. 2015 PMID: 25741868, with internal and published modifications).